The following is an entry in ClinVar:

ClinVar aggregate classification (germline): Pathogenic (0 of 4 stars; one submission).

Conditions:
Retinoblastoma (RB1). Also called: RETINOBLASTOMA, SOMATIC. Identifiers: Orphanet 790, MedGen C0035335, MeSH D012175, MONDO:0008380, OMIM 180200, HP:0009919. Disease mechanism: loss of function. Inheritance: Both sporadic and heritable forms are tested..

Submission:

Clinical Genetics and Genomics Laboratory, Noor Shahriyar Hospital
Classification: Pathogenic for Retinoblastoma. Last evaluated: 2016-12-12. Review status: no assertion criteria provided. Collection method: clinical testing. Allele origin: germline. Affected: yes.
Comment: The NM_000321 c.755delC, is a nonsense variant in RB1 which is predicted to result in a premature stop codon at position 268, and likely results in an absent or disrupted protein product (PVS1).

Variant c.755delC (in RB1 gene) was first seen in persian population with Retinoblastoma (PMID: 27983729)

Literature cited by the submitters: PubMed 27983729.

NM_000321.3(RB1):c.755del (p.Thr252fs)

Gene: RB1 (RB transcriptional corepressor 1; plus strand). Cytogenetic location: 13q14.2.
Variant type: Deletion.
Coding change: c.755del on transcript NM_000321.3 (MANE Select); coding-DNA position 755, one base deleted (C; older notation c.755delC).
Protein change: p.Thr252fs; shifts the reading frame from threonine 252.
Molecular consequence: frameshift variant.
Genome position (GRCh38, 1-based): chr13:48,362,851, C deleted. VCF-style (leftmost placement, unchanged base first): chr13-48362850-AC-A. GRCh37 (hg19) VCF-style: chr13-48936986-AC-A.
Other names: c.755del, p.Thr252fs (NM_001407165.1, NM_001407166.1); c.755_755delC (NM_000321.3); short protein forms T252fs.
Identifiers: ClinVar variation 3384170 (VCV003384170.1).